The following is an entry in ClinVar:

NM_000214.3(JAG1):c.1238C>T (p.Ala413Val)

Gene: JAG1 (jagged canonical Notch ligand 1; minus strand). Cytogenetic location: 20p12.2.
Variant type: single nucleotide variant.
Coding change: c.1238C>T on transcript NM_000214.3 (MANE Select); coding-DNA position 1238, C replaced by T.
Protein change: p.Ala413Val; replaces alanine 413 with valine.
Molecular consequence: missense variant.
Genome position (GRCh38, 1-based): chr20:10,649,632, G>A on the plus strand (C>T on the coding strand, the complement: JAG1 is on the minus strand). VCF-style: chr20-10649632-G-A. GRCh37 (hg19) VCF-style: chr20-10630280-G-A.
Other names: short protein forms A413V.
Identifiers: ClinVar variation 1757388 (VCV001757388.2), dbSNP rs2514518409, ClinGen allele CA408238336.

ClinVar aggregate classification (germline): Uncertain significance (1 of 4 stars; one submission).

Conditions:
Cardiovascular phenotype. Identifiers: MedGen CN230736.

Submission:

Ambry Genetics
Classification: Uncertain significance for Cardiovascular phenotype. Last evaluated: 2022-04-03. Review status: criteria provided, single submitter. Criteria: Ambry Variant Classification Scheme 2023. Collection method: clinical testing. Allele origin: germline.
Comment: The p.A413V variant (also known as c.1238C>T), located in coding exon 10 of the JAG1 gene, results from a C to T substitution at nucleotide position 1238. The alanine at codon 413 is replaced by valine, an amino acid with similar properties. This amino acid position is conserved. In addition, the in silico prediction for this alteration is inconclusive. Since supporting evidence is limited at this time, the clinical significance of this alteration remains unclear.